The following is an entry in ClinVar:

NM_001363711.2(DUOX2):c.1136C>G (p.Pro379Arg)

Gene: DUOX2 (dual oxidase 2; minus strand). Cytogenetic location: 15q21.1.
Variant type: single nucleotide variant.
Coding change: c.1136C>G on transcript NM_001363711.2 (MANE Select); coding-DNA position 1136, C replaced by G.
Protein change: p.Pro379Arg; replaces proline 379 with arginine.
Molecular consequence: missense variant.
Genome position (GRCh38, 1-based): chr15:45,109,622, G>C on the plus strand (C>G on the coding strand, the complement: DUOX2 is on the minus strand). VCF-style: chr15-45109622-G-C. GRCh37 (hg19) VCF-style: chr15-45401820-G-C.
Other names: c.1136C>G, p.Pro379Arg (NM_014080.5); short protein forms P379R.
Identifiers: ClinVar variation 1712206 (VCV001712206.2), dbSNP rs2504777696, ClinGen allele CA392277283.

ClinVar aggregate classification (germline): Uncertain significance (1 of 4 stars; one submission).

Submission:

GeneDx
Classification: Uncertain significance. Last evaluated: 2022-03-28. Review status: criteria provided, single submitter. Criteria: GeneDx Variant Classification Process June 2021. Collection method: clinical testing. Allele origin: germline. Affected: yes.
Comment: Not observed at significant frequency in large population cohorts (gnomAD); In silico analysis supports that this missense variant has a deleterious effect on protein structure/function; Has not been previously published as pathogenic or benign to our knowledge